The following is an entry in ClinVar:

NM_001868.4(CPA1):c.212G>A (p.Ser71Asn)

Gene: CPA1 (carboxypeptidase A1; plus strand). Cytogenetic location: 7q32.2.
Variant type: single nucleotide variant.
Coding change: c.212G>A on transcript NM_001868.4 (MANE Select); coding-DNA position 212, G replaced by A.
Protein change: p.Ser71Asn; replaces serine 71 with asparagine.
Molecular consequence: missense variant.
Genome position (GRCh38, 1-based): chr7:130,381,694, G>A. VCF-style: chr7-130381694-G-A. GRCh37 (hg19) VCF-style: chr7-130021535-G-A.
Other names: short protein forms S71N.
Identifiers: ClinVar variation 3221813 (VCV003221813.1), dbSNP rs1554411204, ClinGen allele CA369279804.

ClinVar aggregate classification (germline): Uncertain significance (1 of 4 stars; one submission).

Conditions:
Hereditary pancreatitis (PCTT). Also called: Hereditary chronic pancreatitis; PRSS1-Related Hereditary Pancreatitis. Identifiers: Orphanet 676, MedGen C0238339, MONDO:0008185, OMIM 167800.

Allele frequency attached by ClinVar (database versions not stated): gnomAD exomes below 0.00001.
gnomAD v4.1: 1 of 1,614,070 alleles (0.000062%); highest among the groups gnomAD compares: East Asian, 0.0022%; no homozygotes.

Submission:

Ambry Genetics
Classification: Uncertain significance for Hereditary pancreatitis. Last evaluated: 2024-01-05. Review status: criteria provided, single submitter. Criteria: Ambry Variant Classification Scheme 2023. Collection method: clinical testing. Allele origin: germline.
Comment: The p.S71N variant (also known as c.212G>A), located in coding exon 3 of the CPA1 gene, results from a G to A substitution at nucleotide position 212. The serine at codon 71 is replaced by asparagine, an amino acid with highly similar properties. This amino acid position is highly conserved in available vertebrate species. In addition, this alteration is predicted to be tolerated by in silico analysis. Since supporting evidence is limited at this time, the clinical significance of this alteration remains unclear.